The following is an entry in ClinVar:

NM_014687.4(RUBCN):c.1157G>C (p.Arg386Thr)

Gene: RUBCN (rubicon autophagy regulator; minus strand). Cytogenetic location: 3q29.
Variant type: single nucleotide variant.
Coding change: c.1157G>C on transcript NM_014687.4 (MANE Select); coding-DNA position 1157, G replaced by C.
Protein change: p.Arg386Thr; replaces arginine 386 with threonine.
Molecular consequence: missense variant.
Genome position (GRCh38, 1-based): chr3:197,700,717, C>G on the plus strand (G>C on the coding strand, the complement: RUBCN is on the minus strand). VCF-style: chr3-197700717-C-G. GRCh37 (hg19) VCF-style: chr3-197427588-C-G.
Other names: c.977G>C, p.Arg326Thr (NM_001145642.5); c.1157G>C, p.Arg386Thr (NM_001346873.2); short protein forms R326T, R386T.
Identifiers: ClinVar variation 1700291 (VCV001700291.2), dbSNP rs1418145807, ClinGen allele CA355663330.

ClinVar aggregate classification (germline): Uncertain significance (1 of 4 stars; one submission).

Allele frequency attached by ClinVar (database versions not stated): gnomAD exomes below 0.00001; TOPMed 0.00001.
gnomAD v4.1: 2 of 1,614,200 alleles (0.00012%); highest among the groups gnomAD compares: Admixed American, 0.0017%; no homozygotes.

Submission:

GeneDx
Classification: Uncertain significance. Last evaluated: 2022-02-04. Review status: criteria provided, single submitter. Criteria: GeneDx Variant Classification Process June 2021. Collection method: clinical testing. Allele origin: germline. Affected: yes.
Comment: Not observed at significant frequency in large population cohorts (gnomAD); In silico analysis supports that this missense variant has a deleterious effect on protein structure/function; Has not been previously published as pathogenic or benign to our knowledge